The following is an entry in ClinVar:

NM_001134363.3(RBM20):c.2115C>A (p.Asp705Glu)

Gene: RBM20 (RNA binding motif protein 20; plus strand). Cytogenetic location: 10q25.2.
Variant type: single nucleotide variant.
Coding change: c.2115C>A on transcript NM_001134363.3 (MANE Select); coding-DNA position 2115, C replaced by A.
Protein change: p.Asp705Glu; replaces aspartic acid 705 with glutamic acid.
Molecular consequence: missense variant.
Genome position (GRCh38, 1-based): chr10:110,812,512, C>A. VCF-style: chr10-110812512-C-A. GRCh37 (hg19) VCF-style: chr10-112572270-C-A.
Other names: short protein forms D705E.
Identifiers: ClinVar variation 1786163 (VCV001786163.3), dbSNP rs1411091811, ClinGen allele CA378371891.

ClinVar aggregate classification (germline): Uncertain significance. Review status: criteria provided, multiple submitters, no conflicts (2 of 4 stars). 2 submissions from 2 submitters: Uncertain significance (2). Last evaluated 2025-10-17.

Conditions:
Dilated cardiomyopathy 1DD (CMD1DD). Identifiers: Orphanet 154, MedGen C2750995, MONDO:0013168, OMIM 613172.
Cardiovascular phenotype. Identifiers: MedGen CN230736.

Allele frequency attached by ClinVar (database versions not stated): gnomAD exomes below 0.00001.
gnomAD v4.1: 2 of 1,551,680 alleles (0.00013%); highest among the groups gnomAD compares: African/African-American, 0.0014%; no homozygotes.

Submissions (2):

Labcorp Genetics (formerly Invitae), Labcorp
Classification: Uncertain significance for Dilated cardiomyopathy 1DD. Last evaluated: 2025-10-17. Review status: criteria provided, single submitter. Criteria: Invitae Variant Classification Sherloc (09022015). Collection method: clinical testing. Allele origin: germline.
Comment: This sequence change replaces aspartic acid, which is acidic and polar, with glutamic acid, which is acidic and polar, at codon 705 of the RBM20 protein (p.Asp705Glu). This variant is present in population databases (no rsID available, gnomAD 0.003%). This missense change has been observed in individual(s) with dilated cardiomyopathy (internal data). ClinVar contains an entry for this variant (Variation ID: 1786163). Invitae Evidence Modeling of protein sequence and biophysical properties (such as structural, functional, and spatial information, amino acid conservation, physicochemical variation, residue mobility, and thermodynamic stability) indicates that this missense variant is not expected to disrupt RBM20 protein function with a negative predictive value of 95%. In summary, the available evidence is currently insufficient to determine the role of this variant in disease. Therefore, it has been classified as a Variant of Uncertain Significance.

Ambry Genetics
Classification: Uncertain significance for Cardiovascular phenotype. Last evaluated: 2022-03-04. Review status: criteria provided, single submitter. Criteria: Ambry Variant Classification Scheme 2023. Collection method: clinical testing. Allele origin: germline.
Comment: The p.D705E variant (also known as c.2115C>A), located in coding exon 9 of the RBM20 gene, results from a C to A substitution at nucleotide position 2115. The aspartic acid at codon 705 is replaced by glutamic acid, an amino acid with highly similar properties. This amino acid position is conserved. In addition, this alteration is predicted to be tolerated by in silico analysis. Since supporting evidence is limited at this time, the clinical significance of this alteration remains unclear.